The following is an entry in ClinVar:

NM_001232.4(CASQ2):c.*138T>C

Gene: CASQ2 (calsequestrin 2; minus strand). Cytogenetic location: 1p13.1.
Variant type: single nucleotide variant.
Coding change: c.*138T>C on transcript NM_001232.4 (MANE Select); 138 bases downstream of the stop codon, T replaced by C.
Molecular consequence: 3 prime UTR variant.
Genome position (GRCh38, 1-based): chr1:115,701,103, A>G on the plus strand (T>C on the coding strand, the complement: CASQ2 is on the minus strand). VCF-style: chr1-115701103-A-G. GRCh37 (hg19) VCF-style: chr1-116243724-A-G.
Identifiers: ClinVar variation 292124 (VCV000292124.11), dbSNP rs28730710, ClinGen allele CA10607447.

ClinVar aggregate classification (germline): Benign/Likely benign. Review status: criteria provided, multiple submitters, no conflicts (2 of 4 stars). 4 submissions from 4 submitters: Benign (3); Likely benign (1). Last evaluated 2023-04-11.

Conditions:
Catecholaminergic polymorphic ventricular tachycardia 2. Also called: VENTRICULAR TACHYCARDIA, STRESS-INDUCED POLYMORPHIC 2; CASQ2-Related Catecholaminergic Polymorphic Ventricular Tachycardia. Identifiers: Orphanet 3286, MedGen C2677794, MONDO:0012762, OMIM 611938.

Allele frequency attached by ClinVar (database versions not stated): gnomAD exomes 0.07420; TOPMed 0.10197; 1000 Genomes Project 0.10363; gnomAD 0.10370 and 0.10658; 1000 Genomes Project 30x 0.10946.
gnomAD v4.1: 102,479 of 1,316,914 alleles (7.8%); highest among the groups gnomAD compares: African/African-American, 18%; 4,750 homozygotes.

Submissions (4):

Genome-Nilou Lab
Classification: Benign for Catecholaminergic polymorphic ventricular tachycardia 2. Last evaluated: 2023-04-11. Review status: criteria provided, single submitter. Criteria: ACMG Guidelines, 2015. Collection method: clinical testing. Allele origin: germline. Affected: no.

Illumina Laboratory Services, Illumina
Classification: Benign for Catecholaminergic polymorphic ventricular tachycardia 2. Last evaluated: 2018-01-13. Review status: criteria provided, single submitter. Criteria: ICSL Variant Classification Criteria 13 December 2019. Collection method: clinical testing. Allele origin: germline.
Comment: This variant was observed in the ICSL laboratory as part of a predisposition screen in an ostensibly healthy population. It had not been previously curated by ICSL or reported in the Human Gene Mutation Database (HGMD: prior to June 1st, 2018), and was therefore a candidate for classification through an automated scoring system. Utilizing variant allele frequency, disease prevalence and penetrance estimates, and inheritance mode, an automated score was calculated to assess if this variant is too frequent to cause the disease. Based on the score and internal cut-off values, a variant classified as benign is not then subjected to further curation. The score for this variant resulted in a classification of benign for this disease.

GeneDx
Classification: Benign. Last evaluated: 2015-03-03. Review status: criteria provided, single submitter. Criteria: GeneDx Variant Classification Process June 2021. Collection method: clinical testing. Allele origin: germline. Affected: yes.

Breakthrough Genomics
Classification: Likely benign. Review status: criteria provided, single submitter. Criteria: ACMG Guidelines, 2015. Collection method: not provided. Allele origin: germline. Inheritance: Autosomal recessive inheritance. Affected: yes.